The following is an entry in ClinVar:

NM_001365536.1(SCN9A):c.4546G>C (p.Ala1516Pro)

Genes: SCN1A-AS1 (SCN1A and SCN9A antisense RNA 1; plus strand), SCN9A (sodium voltage-gated channel alpha subunit 9; minus strand). Cytogenetic location: 2q24.3.
Variant type: single nucleotide variant.
Coding change: c.4546G>C on transcript NM_001365536.1 (MANE Select); coding-DNA position 4546, G replaced by C.
Protein change: p.Ala1516Pro; replaces alanine 1516 with proline.
Molecular consequence: missense variant.
Genome position (GRCh38, 1-based): chr2:166,204,183, C>G on the plus strand (G>C on the coding strand, the complement: SCN9A is on the minus strand). VCF-style: chr2-166204183-C-G. GRCh37 (hg19) VCF-style: chr2-167060693-C-G.
Other names: c.4513G>C, p.Ala1505Pro (NM_002977.4); short protein forms A1505P, A1516P.
Identifiers: ClinVar variation 2930287 (VCV002930287.4), dbSNP rs201150015, ClinGen allele CA349057954.

ClinVar aggregate classification (germline): Uncertain significance. Review status: criteria provided, multiple submitters, no conflicts (2 of 4 stars). 2 submissions from 2 submitters: Uncertain significance (2). Last evaluated 2023-02-14.

Conditions:
Neuropathy, hereditary sensory and autonomic, type 2A (HSAN2A). Also called: ACROOSTEOLYSIS, GIACCAI TYPE; ACROOSTEOLYSIS, NEUROGENIC; WNK1-Related HSAN2 (HSAN2A); MORVAN DISEASE; NEUROPATHY, CONGENITAL SENSORY; NEUROPATHY, HEREDITARY SENSORY RADICULAR, AUTOSOMAL RECESSIVE. Identifiers: Orphanet 970, MedGen C2752089, MONDO:0024309, OMIM 201300.
Generalized epilepsy with febrile seizures plus, type 7 (GEFSP7). Also called: GEFS+, TYPE 7. Identifiers: Orphanet 36387, MedGen C2751778, MONDO:0013470, OMIM 613863.

gnomAD v4.1: 1 of 1,612,196 alleles (0.000062%); highest among the groups gnomAD compares: Middle Eastern, 0.017%; no homozygotes.

Submissions (2):

Labcorp Genetics (formerly Invitae), Labcorp
Classification: Uncertain significance for Neuropathy, hereditary sensory and autonomic, type 2A; Generalized epilepsy with febrile seizures plus, type 7. Last evaluated: 2023-02-14. Review status: criteria provided, single submitter. Criteria: Invitae Variant Classification Sherloc (09022015). Collection method: clinical testing. Allele origin: germline.
Comment: In summary, the available evidence is currently insufficient to determine the role of this variant in disease. Therefore, it has been classified as a Variant of Uncertain Significance. Advanced modeling of protein sequence and biophysical properties (such as structural, functional, and spatial information, amino acid conservation, physicochemical variation, residue mobility, and thermodynamic stability) performed at Invitae indicates that this missense variant is not expected to disrupt SCN9A protein function. This variant has not been reported in the literature in individuals affected with SCN9A-related conditions. This variant is not present in population databases (gnomAD no frequency). This sequence change replaces alanine, which is neutral and non-polar, with proline, which is neutral and non-polar, at codon 1505 of the SCN9A protein (p.Ala1505Pro).

Blueprint Genetics
Classification: Uncertain significance. Last evaluated: 2021-02-17. Review status: criteria provided, single submitter. Criteria: ACMG Guidelines, 2015. Collection method: clinical testing. Allele origin: germline.